The following is an entry in ClinVar:

NM_012188.5(FOXI1):c.1017C>A (p.Asn339Lys)

Gene: FOXI1 (forkhead box I1; plus strand). Cytogenetic location: 5q35.1.
Variant type: single nucleotide variant.
Coding change: c.1017C>A on transcript NM_012188.5 (MANE Select); coding-DNA position 1017, C replaced by A.
Protein change: p.Asn339Lys; replaces asparagine 339 with lysine.
Molecular consequence: missense variant.
Genome position (GRCh38, 1-based): chr5:170,108,491, C>A. VCF-style: chr5-170108491-C-A. GRCh37 (hg19) VCF-style: chr5-169535495-C-A.
Other names: c.732C>A, p.Asn244Lys (NM_144769.4); short protein forms N244K, N339K.
Identifiers: ClinVar variation 1401856 (VCV001401856.8), dbSNP rs1758569793, ClinGen allele CA362128562.

ClinVar aggregate classification (germline): Uncertain significance (1 of 4 stars; one submission).

Allele frequency attached by ClinVar (database versions not stated): TOPMed below 0.00001; gnomAD 0.00001.

Submission:

Labcorp Genetics (formerly Invitae), Labcorp
Classification: Uncertain significance. Last evaluated: 2021-07-04. Review status: criteria provided, single submitter. Criteria: Invitae Variant Classification Sherloc (09022015). Collection method: clinical testing. Allele origin: germline.
Comment: This sequence change replaces asparagine with lysine at codon 339 of the FOXI1 protein (p.Asn339Lys). The asparagine residue is moderately conserved and there is a moderate physicochemical difference between asparagine and lysine. This variant is not present in population databases (ExAC no frequency). This variant has not been reported in the literature in individuals affected with FOXI1-related conditions. Algorithms developed to predict the effect of missense changes on protein structure and function (SIFT, PolyPhen-2, Align-GVGD) all suggest that this variant is likely to be tolerated. In summary, the available evidence is currently insufficient to determine the role of this variant in disease. Therefore, it has been classified as a Variant of Uncertain Significance.